The following is an entry in ClinVar:

NM_000152.5(GAA):c.1574T>A (p.Phe525Tyr)

Gene: GAA (alpha glucosidase; plus strand). Cytogenetic location: 17q25.3.
Variant type: single nucleotide variant.
Coding change: c.1574T>A on transcript NM_000152.5 (MANE Select); coding-DNA position 1574, T replaced by A.
Protein change: p.Phe525Tyr; replaces phenylalanine 525 with tyrosine.
Molecular consequence: missense variant.
Genome position (GRCh38, 1-based): chr17:80,110,963, T>A. VCF-style: chr17-80110963-T-A. GRCh37 (hg19) VCF-style: chr17-78084762-T-A.
Other names: c.1574T>A, p.Phe525Tyr (NM_001079803.3, NM_001079804.3, NM_001406741.1 and 1 more transcripts); short protein forms F525Y.
Identifiers: ClinVar variation 4876498 (VCV004876498.1).

ClinVar aggregate classification (germline): Uncertain significance (1 of 4 stars; one submission).

Conditions:
Glycogen storage disease, type II (IOPD). Also called: Pompe Disease; CARDIOMEGALIA GLYCOGENICA DIFFUSA; GLYCOGENOSIS, GENERALIZED, CARDIAC FORM; GSD II; POMPE DISEASE, INFANTILE-ONSET; GLYCOGEN STORAGE DISEASE II, INFANTILE-ONSET. Identifiers: Orphanet 365, MedGen C0017921, MONDO:0009290, OMIM 232300.

Submission:

Genomenon, Inc
Classification: Uncertain significance for Glycogen storage disease, type II. Last evaluated: 2026-07-01. Review status: criteria provided, single submitter. Criteria: Genomenon Sequence Variant Interpretation Standards - Updated. Collection method: curation. Allele origin: germline. Affected: yes.
Comment: GAA p.Phe525Tyr (c.1574T>A) is a missense variant that changes the amino acid at codon 525 from Phenylalanine to Tyrosine. This variant has been observed in at least one proband with a GAA-related disorder in the compound heterozygous and/or homozygous state (PMID:21232767). At least one functional study has demonstrated a substantial alteration in protein function relative to the wild-type (PMID:22644586). It is absent or not present at a significant frequency in gnomAD. In silico models predict that this variant is possibly or probably damaging. In conclusion, we classify GAA p.Phe525Tyr (c.1574T>A) as a variant of uncertain significance.

Literature cited by the submitters: PubMed 21232767; PubMed 22644586.